The following is an entry in ClinVar:

ClinVar aggregate classification (germline): Uncertain significance (1 of 4 stars; one submission).

Conditions:
Familial cancer of breast. Also called: BREAST CANCER, FAMILIAL; Hereditary breast cancer; hereditary breast carcinoma. Identifiers: Orphanet 227535, MedGen C0346153, MONDO:0016419, OMIM 114480. Disease mechanism: loss of function.

Submission:

Labcorp Genetics (formerly Invitae), Labcorp
Classification: Uncertain significance for Familial cancer of breast. Last evaluated: 2022-08-23. Review status: criteria provided, single submitter. Criteria: Invitae Variant Classification Sherloc (09022015). Collection method: clinical testing. Allele origin: germline.
Comment: In summary, the available evidence is currently insufficient to determine the role of this variant in disease. Therefore, it has been classified as a Variant of Uncertain Significance. Algorithms developed to predict the effect of missense changes on protein structure and function output the following: SIFT: "Tolerated"; PolyPhen-2: "Benign"; Align-GVGD: "Class C0". The cysteine amino acid residue is found in multiple mammalian species, which suggests that this missense change does not adversely affect protein function. ClinVar contains an entry for this variant (Variation ID: 406769). This variant has not been reported in the literature in individuals affected with BARD1-related conditions. This variant is not present in population databases (gnomAD no frequency). This sequence change replaces phenylalanine, which is neutral and non-polar, with cysteine, which is neutral and slightly polar, at codon 272 of the BARD1 protein (p.Phe272Cys).

NM_000465.4(BARD1):c.815T>G (p.Phe272Cys)

Gene: BARD1 (BRCA1 associated RING domain 1; minus strand). Cytogenetic location: 2q35.
Variant type: single nucleotide variant.
Coding change: c.815T>G on transcript NM_000465.4 (MANE Select); coding-DNA position 815, T replaced by G.
Protein change: p.Phe272Cys; replaces phenylalanine 272 with cysteine.
Molecular consequence: missense variant. On other transcripts: non-coding transcript variant (2), intron variant (3).
Genome position (GRCh38, 1-based): chr2:214,781,059, A>C on the plus strand (T>G on the coding strand, the complement: BARD1 is on the minus strand). VCF-style: chr2-214781059-A-C. GRCh37 (hg19) VCF-style: chr2-215645783-A-C.
Other names: c.758T>G, p.Phe253Cys (NM_001282543.2); c.158+28353T>G (NM_001282548.2); c.215+16002T>G (NM_001282545.2); c.364+11238T>G (NM_001282549.2); short protein forms F272C, F253C.
Identifiers: ClinVar variation 406769 (VCV000406769.11), dbSNP rs1060501296, ClinGen allele CA16610748.